The following is an entry in ClinVar:

ClinVar aggregate classification (germline): Likely benign (1 of 4 stars; one submission).

Submission:

GeneDx
Classification: Likely benign. Last evaluated: 2017-07-27. Review status: criteria provided, single submitter. Criteria: GeneDx Variant Classification (06012015). Collection method: clinical testing. Allele origin: germline. Affected: yes.
Comment: This variant is considered likely benign or benign based on one or more of the following criteria: it is a conservative change, it occurs at a poorly conserved position in the protein, it is predicted to be benign by multiple in silico algorithms, and/or has population frequency not consistent with disease.

NM_001164508.2(NEB):c.13748A>T (p.Asp4583Val)

Gene: NEB (nebulin; minus strand). Cytogenetic location: 2q23.3.
Variant type: single nucleotide variant.
Coding change: c.13748A>T on transcript NM_001164508.2 (MANE Select); coding-DNA position 13748, A replaced by T.
Protein change: p.Asp4583Val; replaces aspartic acid 4583 with valine.
Molecular consequence: missense variant. On other transcripts: intron variant (1).
Genome position (GRCh38, 1-based): chr2:151,600,482, T>A on the plus strand (A>T on the coding strand, the complement: NEB is on the minus strand). VCF-style: chr2-151600482-T-A. GRCh37 (hg19) VCF-style: chr2-152456996-T-A.
Other names: c.13748A>T, p.Asp4583Val (NM_001164507.2, NM_001271208.2); c.11601+9327A>T (NM_004543.5); short protein forms D4583V.
Identifiers: ClinVar variation 511060 (VCV000511060.1), dbSNP rs1553862170, ClinGen allele CA348768181.